The following is an entry in ClinVar:

NM_001005361.3(DNM2):c.1781+6G>T

Gene: DNM2 (dynamin 2; plus strand). Cytogenetic location: 19p13.2.
Variant type: single nucleotide variant.
Coding change: c.1781+6G>T on transcript NM_001005361.3 (MANE Select); 6 bases into the intron after coding-DNA position 1781, G replaced by T.
Molecular consequence: intron variant.
Genome position (GRCh38, 1-based): chr19:10,820,095, G>T. VCF-style: chr19-10820095-G-T. GRCh37 (hg19) VCF-style: chr19-10930771-G-T.
Other names: c.1781+6G>T (NM_001005360.3, NM_001190716.2); c.1769+6G>T (NM_004945.4, NM_001005362.3).
Identifiers: ClinVar variation 574188 (VCV000574188.8), dbSNP rs1568318838, ClinGen allele CA891843868.
Genomic context (GRCh38, chr19:10,820,095, plus strand): 5'-AGAAGGGCTTCATGTCCAACAAGCACGTCTTCGCCATCTTCAACACGGAGCAGAGGTGAG[G>T]GGCCCAGGGGCCTGGGGATGGCTCGGGGTGAAGACCAATGGCCTCATTCACACTCCACAA-3'

ClinVar aggregate classification (germline): Uncertain significance (1 of 4 stars; one submission).

Conditions:
Charcot-Marie-Tooth disease dominant intermediate B (CMTDIB). Also called: CHARCOT-MARIE-TOOTH NEUROPATHY, DOMINANT INTERMEDIATE B; Charcot-Marie-Tooth disease dominant intermediate 1; CMT DI1; Charcot-Marie-Tooth disease dominant intermediate I. Identifiers: Orphanet 100044, Orphanet 228179, MedGen C1847902, MONDO:0011674, OMIM 606482.

Submission:

Labcorp Genetics (formerly Invitae), Labcorp
Classification: Uncertain significance for Charcot-Marie-Tooth disease dominant intermediate B. Last evaluated: 2018-06-01. Review status: criteria provided, single submitter. Criteria: Invitae Variant Classification Sherloc (09022015). Collection method: clinical testing. Allele origin: germline.
Comment: In summary, the available evidence is currently insufficient to determine the role of this variant in disease. Therefore, it has been classified as a Variant of Uncertain Significance. This sequence change falls in intron 16 of the DNM2 gene. It does not directly change the encoded amino acid sequence of the DNM2 protein, but it affects a nucleotide within the consensus splice site of the intron. This variant is not present in population databases (ExAC no frequency). This variant has not been reported in the literature in individuals with DNM2-related disease. Nucleotide substitutions within the consensus splice site are a relatively common cause of aberrant splicing (PMID: 17576681, 9536098). Algorithms developed to predict the effect of sequence changes on RNA splicing suggest that this variant is not likely to affect RNA splicing, but this prediction has not been confirmed by published transcriptional studies.

Literature cited by the submitters: PubMed 17576681; PubMed 9536098.